The following is an entry in ClinVar:

NM_018012.4(KIF26B):c.2340C>T (p.Ala780=)

Gene: KIF26B (kinesin family member 26B; plus strand). Cytogenetic location: 1q44.
Variant type: single nucleotide variant.
Coding change: c.2340C>T on transcript NM_018012.4 (MANE Select); coding-DNA position 2340, C replaced by T.
Protein change: p.Ala780=; no amino-acid change (alanine 780 retained).
Molecular consequence: synonymous variant.
Genome position (GRCh38, 1-based): chr1:245,684,314, C>T. VCF-style: chr1-245684314-C-T. GRCh37 (hg19) VCF-style: chr1-245847616-C-T.
Identifiers: ClinVar variation 3034101 (VCV003034101.2), dbSNP rs532973058, ClinGen allele CA1487956.

ClinVar aggregate classification (germline): Likely benign (0 of 4 stars; one submission).

Conditions:
KIF26B-related disorder. Also called: KIF26B-related condition.

Allele frequency attached by ClinVar (database versions not stated): TOPMed 0.00003; gnomAD 0.00005; gnomAD exomes 0.00010; 1000 Genomes Project 30x 0.00016; 1000 Genomes Project 0.00020; ExAC 0.00020.
gnomAD v4.1: 152 of 1,613,910 alleles (0.0094%); highest among the groups gnomAD compares: South Asian, 0.077%; 2 homozygotes.

Submission:

PreventionGenetics, part of Exact Sciences
Classification: Likely benign for KIF26B-related condition. Last evaluated: 2019-02-27. Review status: no assertion criteria provided. Collection method: clinical testing. Allele origin: germline.
Comment: This variant is classified as likely benign based on ACMG/AMP sequence variant interpretation guidelines (Richards et al. 2015 PMID: 25741868, with internal and published modifications).